The following is an entry in ClinVar:

ClinVar aggregate classification (germline): Benign/Likely benign. Review status: criteria provided, multiple submitters, no conflicts (2 of 4 stars). 2 submissions from 2 submitters: Benign (1); Likely benign (1). Last evaluated 2026-01-06.

Allele frequency attached by ClinVar (database versions not stated): 1000 Genomes Project 30x 0.00125; gnomAD exomes 0.00016; 1000 Genomes Project 0.00140; gnomAD 0.00217; ExAC 0.00052; TOPMed 0.00236; ESP Exome Variant Server 0.00329.
gnomAD v4.1: 575 of 1,532,166 alleles (0.038%); highest among the groups gnomAD compares: African/African-American, 0.7%; 3 homozygotes.

Submissions (2):

Women's Health and Genetics/Laboratory Corporation of America, LabCorp
Classification: Likely benign. Last evaluated: 2026-01-06. Review status: criteria provided, single submitter. Criteria: LabCorp Variant Classification Summary - May 2015. Collection method: clinical testing. Allele origin: germline.
Comment: Variant summary: PIEZO2 c.4853A>G (p.Glu1618Gly) results in a non-conservative amino acid change in the encoded protein sequence. Algorithms developed to predict the effect of missense changes on protein structure and function are either unavailable or do not agree on the potential impact of this missense change. Consensus agreement among computation tools predict no significant impact on normal splicing. However, these predictions have yet to be confirmed by functional studies. The variant allele was found at a frequency of 0.00038 in 138552 control chromosomes, predominantly at a frequency of 0.0066 within the African or African-American subpopulation in the gnomAD database. The observed variant frequency within African or African-American control individuals in the gnomAD database exceeds the estimated maximal expected allele frequency for disease-causing variants in PIEZO2. To our knowledge, no occurrence of c.4853A>G in individuals affected with PIEZO2-related conditions and no experimental evidence demonstrating its impact on protein function have been reported. ClinVar contains an entry for this variant (Variation ID: 2858460). Based on the evidence outlined above, the variant was classified as likely benign.

Labcorp Genetics (formerly Invitae), Labcorp
Classification: Benign. Last evaluated: 2025-07-27. Review status: criteria provided, single submitter. Criteria: Invitae Variant Classification Sherloc (09022015). Collection method: clinical testing. Allele origin: germline.

NM_001378183.1(PIEZO2):c.5027A>G (p.Glu1676Gly)

Gene: PIEZO2 (piezo type mechanosensitive ion channel component 2; minus strand). Cytogenetic location: 18p11.22.
Variant type: single nucleotide variant.
Coding change: c.5027A>G on transcript NM_001378183.1 (MANE Select); coding-DNA position 5027, A replaced by G.
Protein change: p.Glu1676Gly; replaces glutamic acid 1676 with glycine.
Molecular consequence: missense variant.
Genome position (GRCh38, 1-based): chr18:10,731,409, T>C on the plus strand (A>G on the coding strand, the complement: PIEZO2 is on the minus strand). VCF-style: chr18-10731409-T-C. GRCh37 (hg19) VCF-style: chr18-10731407-T-C.
Other names: c.4928A>G, p.Glu1643Gly (NM_001410871.1); c.4853A>G, p.Glu1618Gly (NM_022068.4); short protein forms E1618G, E1643G, E1676G.
Identifiers: ClinVar variation 2858460 (VCV002858460.4), dbSNP rs369661357, ClinGen allele CA8892381.